The following is an entry in ClinVar:

ClinVar aggregate classification (germline): Uncertain significance (1 of 4 stars; one submission).

Conditions:
Hereditary cancer-predisposing syndrome. Also called: Neoplastic Syndromes, Hereditary; Tumor predisposition; Hereditary neoplastic syndrome; Hereditary Cancer Syndrome. Identifiers: Orphanet 140162, MedGen C0027672, MeSH D009386, MONDO:0015356.

Submission:

Ambry Genetics
Classification: Uncertain significance for Hereditary cancer-predisposing syndrome. Last evaluated: 2020-07-15. Review status: criteria provided, single submitter. Criteria: Ambry Variant Classification Scheme 2023. Collection method: clinical testing. Allele origin: germline.
Comment: The p.L317P variant (also known as c.950T>C), located in coding exon 8 of the TSC1 gene, results from a T to C substitution at nucleotide position 950. The leucine at codon 317 is replaced by proline, an amino acid with similar properties. This amino acid position is well conserved in available vertebrate species. In addition, the in silico prediction for this alteration is inconclusive. Since supporting evidence is limited at this time, the clinical significance of this alteration remains unclear.

NM_000368.5(TSC1):c.950T>C (p.Leu317Pro)

Gene: TSC1 (TSC complex subunit 1; minus strand). Cytogenetic location: 9q34.13.
Variant type: single nucleotide variant.
Coding change: c.950T>C on transcript NM_000368.5 (MANE Select); coding-DNA position 950, T replaced by C.
Protein change: p.Leu317Pro; replaces leucine 317 with proline.
Molecular consequence: missense variant. On other transcripts: 5 prime UTR variant (5), non-coding transcript variant (5).
Genome position (GRCh38, 1-based): chr9:132,911,532, A>G on the plus strand (T>C on the coding strand, the complement: TSC1 is on the minus strand). VCF-style: chr9-132911532-A-G. GRCh37 (hg19) VCF-style: chr9-135786919-A-G.
Other names: c.950T>C, p.Leu317Pro (NM_001162426.2, NM_001406592.1, NM_001406593.1 and 16 more transcripts); c.797T>C, p.Leu266Pro (NM_001162427.2, NM_001406610.1, NM_001406611.1 and 2 more transcripts); c.587T>C, p.Leu196Pro (NM_001362177.2, NM_001406614.1, NM_001406615.1 and 10 more transcripts); c.-2T>C (NM_001406626.1, NM_001406627.1, NM_001406628.1); c.-144T>C (NM_001406629.1, NM_001406630.1); short protein forms L196P, L266P, L317P.
Identifiers: ClinVar variation 3231338 (VCV003231338.1), dbSNP rs2538870072, ClinGen allele CA375368697.